The following is an entry in ClinVar:

ClinVar aggregate classification (germline): Uncertain significance. Review status: criteria provided, multiple submitters, no conflicts (2 of 4 stars). 3 submissions from 3 submitters: Uncertain significance (3). Last evaluated 2024-03-09.

Conditions:
Renal cell carcinoma. Identifiers: Orphanet 217071, MedGen C0007134, MeSH D002292, MONDO:0005086, HP:0005584.
Hereditary cancer-predisposing syndrome. Also called: Hereditary Cancer Syndrome; Tumor predisposition; Hereditary neoplastic syndrome; Neoplastic Syndromes, Hereditary. Identifiers: Orphanet 140162, MedGen C0027672, MeSH D009386, MONDO:0015356.
Autosomal recessive nonsyndromic hearing loss 97. Also called: Deafness, autosomal recessive 97. Identifiers: Orphanet 90636, MedGen C4084709, MONDO:0014739, OMIM 616705.

Allele frequency attached by ClinVar (database versions not stated): TOPMed 0.00001.

Submissions (3):

Baylor Genetics
Classification: Uncertain significance for Autosomal recessive nonsyndromic hearing loss 97. Last evaluated: 2024-03-09. Review status: criteria provided, single submitter. Criteria: ACMG Guidelines, 2015. Collection method: clinical testing. Allele origin: unknown.

Ambry Genetics
Classification: Uncertain significance for Hereditary cancer-predisposing syndrome. Last evaluated: 2023-09-26. Review status: criteria provided, single submitter. Criteria: Ambry Variant Classification Scheme 2023. Collection method: clinical testing. Allele origin: germline.
Comment: The p.E1390A variant (also known as c.4169A>C), located in coding exon 20 of the MET gene, results from an A to C substitution at nucleotide position 4169. The glutamic acid at codon 1390 is replaced by alanine, an amino acid with dissimilar properties. This amino acid position is poorly conserved in available vertebrate species. In addition, this alteration is predicted to be tolerated by in silico analysis. Since supporting evidence is limited at this time, the clinical significance of this alteration remains unclear.

Labcorp Genetics (formerly Invitae), Labcorp
Classification: Uncertain significance for Renal cell carcinoma. Last evaluated: 2023-09-06. Review status: criteria provided, single submitter. Criteria: Invitae Variant Classification Sherloc (09022015). Collection method: clinical testing. Allele origin: germline.
Comment: This sequence change replaces glutamic acid, which is acidic and polar, with alanine, which is neutral and non-polar, at codon 1390 of the MET protein (p.Glu1390Ala). This variant is not present in population databases (gnomAD no frequency). This variant has not been reported in the literature in individuals affected with MET-related conditions. ClinVar contains an entry for this variant (Variation ID: 645754). An algorithm developed to predict the effect of missense changes on protein structure and function (PolyPhen-2) suggests that this variant¬†is likely to be tolerated. In summary, the available evidence is currently insufficient to determine the role of this variant in disease. Therefore, it has been classified as a Variant of Uncertain Significance.

NM_000245.4(MET):c.4115A>C (p.Glu1372Ala)

Gene: MET (MET proto-oncogene, receptor tyrosine kinase; plus strand). Cytogenetic location: 7q31.2.
Variant type: single nucleotide variant.
Coding change: c.4115A>C on transcript NM_000245.4 (MANE Select); coding-DNA position 4115, A replaced by C.
Protein change: p.Glu1372Ala; replaces glutamic acid 1372 with alanine.
Molecular consequence: missense variant.
Genome position (GRCh38, 1-based): chr7:116,796,066, A>C. VCF-style: chr7-116796066-A-C. GRCh37 (hg19) VCF-style: chr7-116436120-A-C.
Other names: c.4169A>C (LRG_662t1); c.4169A>C, p.Glu1390Ala (NM_001127500.3); c.2825A>C, p.Glu942Ala (NM_001324402.2); short protein forms E942A, E1390A, E1372A.
Identifiers: ClinVar variation 645754 (VCV000645754.12), dbSNP rs1584978594, ClinGen allele CA369118422.